The following is an entry in ClinVar:

NM_001457.4(FLNB):c.3725-287A>G

Gene: FLNB (filamin B; plus strand). Cytogenetic location: 3p14.3.
Variant type: single nucleotide variant.
Coding change: c.3725-287A>G on transcript NM_001457.4 (MANE Select); 287 bases into the intron before coding-DNA position 3725, A replaced by G.
Molecular consequence: intron variant.
Genome position (GRCh38, 1-based): chr3:58,124,045, A>G. VCF-style: chr3-58124045-A-G. GRCh37 (hg19) VCF-style: chr3-58109772-A-G.
Other names: c.3725-287A>G (NM_001164317.2, NM_001164318.2, NM_001164319.2).
Identifiers: ClinVar variation 671079 (VCV000671079.1), dbSNP rs4681799, ClinGen allele CA11444277.

ClinVar aggregate classification (germline): Benign (1 of 4 stars; one submission).

Allele frequency attached by ClinVar (database versions not stated): gnomAD 0.42580 and 0.43463; TOPMed 0.46165; 1000 Genomes Project 0.64936; 1000 Genomes Project 30x 0.65178.
gnomAD v4.1: 65,942 of 152,056 alleles (43%); highest among the groups gnomAD compares: East Asian, 97%; 18,126 homozygotes.

Submission:

GeneDx
Classification: Benign. Last evaluated: 2018-06-14. Review status: criteria provided, single submitter. Criteria: GeneDx Variant Classification (06012015). Collection method: clinical testing. Allele origin: germline. Affected: yes.
Comment: This variant is considered likely benign or benign based on one or more of the following criteria: it is a conservative change, it occurs at a poorly conserved position in the protein, it is predicted to be benign by multiple in silico algorithms, and/or has population frequency not consistent with disease.